The following is an entry in ClinVar:

NM_052947.4(ALPK2):c.134G>C (p.Trp45Ser)

Gene: ALPK2 (alpha kinase 2; minus strand). Cytogenetic location: 18q21.32.
Variant type: single nucleotide variant.
Coding change: c.134G>C on transcript NM_052947.4 (MANE Select); coding-DNA position 134, G replaced by C.
Protein change: p.Trp45Ser; replaces tryptophan 45 with serine.
Molecular consequence: missense variant.
Genome position (GRCh38, 1-based): chr18:58,607,415, C>G on the plus strand (G>C on the coding strand, the complement: ALPK2 is on the minus strand). VCF-style: chr18-58607415-C-G. GRCh37 (hg19) VCF-style: chr18-56274647-C-G.
Other names: short protein forms W45S.
Identifiers: ClinVar variation 1770574 (VCV001770574.2), dbSNP rs2518912991, ClinGen allele CA402556238.

ClinVar aggregate classification (germline): Uncertain significance (1 of 4 stars; one submission).

Submission:

Ambry Genetics
Classification: Uncertain significance. Last evaluated: 2022-03-29. Review status: criteria provided, single submitter. Criteria: Ambry Variant Classification Scheme 2023. Collection method: clinical testing. Allele origin: germline.
Comment: The p.W45S variant (also known as c.134G>C), located in coding exon 2 of the ALPK2 gene, results from a G to C substitution at nucleotide position 134. The tryptophan at codon 45 is replaced by serine, an amino acid with highly dissimilar properties. This amino acid position is conserved. In addition, this alteration is predicted to be deleterious by in silico analysis. Since supporting evidence is limited at this time, the clinical significance of this alteration remains unclear.